The following is an entry in ClinVar:

ClinVar aggregate classification (germline): Uncertain significance (1 of 4 stars; one submission).

Submission:

Labcorp Genetics (formerly Invitae), Labcorp
Classification: Uncertain significance. Last evaluated: 2025-12-03. Review status: criteria provided, single submitter. Criteria: Invitae Variant Classification Sherloc (09022015). Collection method: clinical testing. Allele origin: germline.
Comment: This sequence change creates a premature translational stop signal (p.Pro13Argfs*3) in the NDUFA4 gene. It is expected to result in an absent or disrupted protein product. However, the current clinical and genetic evidence is not sufficient to establish whether loss-of-function variants in NDUFA4 cause disease. This variant is present in population databases (no rsID available, gnomAD 0.005%). This variant has not been reported in the literature in individuals affected with NDUFA4-related conditions. In summary, the available evidence is currently insufficient to determine the role of this variant in disease. Therefore, it has been classified as a Variant of Uncertain Significance.

NM_002489.4(COXFA4):c.38del (p.Pro13fs)

Gene: COXFA4 (cytochrome c oxidase associated subunit FA4; minus strand). Cytogenetic location: 7p21.3.
Variant type: Deletion.
Coding change: c.38del on transcript NM_002489.4 (MANE Select); coding-DNA position 38, one base deleted (C; older notation c.38delC).
Protein change: p.Pro13fs; shifts the reading frame from proline 13.
Molecular consequence: frameshift variant.
Genome position (GRCh38, 1-based): chr7:10,940,020, G deleted on the plus strand (C on the coding strand, the reverse complement: COXFA4 is on the minus strand); the first of 2 consecutive G bases (chr7:10,940,020-10,940,021); deleting either gives the same sequence. VCF-style (leftmost placement, unchanged base first): chr7-10940019-CG-C. GRCh37 (hg19) VCF-style: chr7-10979646-CG-C.
Other names: short protein forms P13fs.
Identifiers: ClinVar variation 4792173 (VCV004792173.1).
Genomic context (GRCh38, chr7:10,940,019, plus strand): 5'-CGCACCCCGACGCAAGAAGGACAAGGGAAAACATTAGGAGAGCGGTCACGAACTTACGCT[CG>C]GATGCTTCTTGGCCTGACCGATGATCTGGCGGAGCATGTTTGCGGCAGAGGTCTCCGACT-3'